The following is an entry in ClinVar:

NM_006662.3(SRCAP):c.4883C>T (p.Pro1628Leu)

Gene: SRCAP (Snf2 related CREBBP activator protein; plus strand). Cytogenetic location: 16p11.2.
Variant type: single nucleotide variant.
Coding change: c.4883C>T on transcript NM_006662.3 (MANE Select); coding-DNA position 4883, C replaced by T.
Protein change: p.Pro1628Leu; replaces proline 1628 with leucine.
Molecular consequence: missense variant.
Genome position (GRCh38, 1-based): chr16:30,724,307, C>T. VCF-style: chr16-30724307-C-T. GRCh37 (hg19) VCF-style: chr16-30735628-C-T.
Other names: short protein forms P1628L.
Identifiers: ClinVar variation 2980340 (VCV002980340.3), dbSNP rs34832576, ClinGen allele CA8011846.

ClinVar aggregate classification (germline): Uncertain significance (1 of 4 stars; one submission).

Allele frequency attached by ClinVar (database versions not stated): ExAC 0.00001; TOPMed 0.00001; gnomAD 0.00002; 1000 Genomes Project 0.00020; 1000 Genomes Project 30x 0.00031.
gnomAD v4.1: 28 of 1,614,156 alleles (0.0017%); highest among the groups gnomAD compares: Admixed American, 0.005%; no homozygotes.

Submission:

Labcorp Genetics (formerly Invitae), Labcorp
Classification: Uncertain significance. Last evaluated: 2024-12-03. Review status: criteria provided, single submitter. Criteria: Invitae Variant Classification Sherloc (09022015). Collection method: clinical testing. Allele origin: germline.
Comment: This sequence change replaces proline, which is neutral and non-polar, with leucine, which is neutral and non-polar, at codon 1628 of the SRCAP protein (p.Pro1628Leu). This variant is present in population databases (rs34832576, gnomAD 0.003%). This variant has not been reported in the literature in individuals affected with SRCAP-related conditions. ClinVar contains an entry for this variant (Variation ID: 2980340). Invitae Evidence Modeling of protein sequence and biophysical properties (such as structural, functional, and spatial information, amino acid conservation, physicochemical variation, residue mobility, and thermodynamic stability) has been performed for this missense variant. However, the output from this modeling did not meet the statistical confidence thresholds required to predict the impact of this variant on SRCAP protein function. In summary, the available evidence is currently insufficient to determine the role of this variant in disease. Therefore, it has been classified as a Variant of Uncertain Significance.